The following is an entry in ClinVar:

ClinVar aggregate classification (germline): Uncertain significance (1 of 4 stars; one submission).

Conditions:
Radio-Tartaglia syndrome. Identifiers: Orphanet 662234, MedGen C5543339, MONDO:0859143, OMIM 619312.

Submission:

Laboratorio de Genetica e Diagnostico Molecular, Hospital Israelita Albert Einstein
Classification: Uncertain significance for Radio-Tartaglia syndrome. Last evaluated: 2026-01-28. Review status: criteria provided, single submitter. Criteria: ACMG Guidelines, 2015. Collection method: clinical testing. Allele origin: germline. Affected: yes.
Comment: ACMG classification criteria: PM2 supporting, PM4 supporting

NM_015001.3(SPEN):c.7444CCT[1] (p.Pro2483del)

Gene: SPEN (spen family transcriptional repressor; plus strand). Cytogenetic location: 1p36.13.
Variant type: Microsatellite.
Coding change: c.7444CCT[1] on transcript NM_015001.3 (MANE Select); one copy of the 3-base unit CCT starting at c.7444; the reference has two copies in a row; one copy, 3 bases deleted; also written c.7447_7449del.
Protein change: p.Pro2483del; deletes proline 2483.
Genome position (GRCh38, 1-based): chr1:15,933,687-15,933,689, CCT deleted; deleting any 3 consecutive bases within chr1:15,933,684-15,933,689 gives the same sequence; the position shown is the placement nearest the transcript's 3' end. VCF-style (leftmost placement, unchanged base first): chr1-15933683-ACCT-A. GRCh37 (hg19) VCF-style: chr1-16260178-ACCT-A.
Other names: c.7447_7449del (NM_015001.3); short protein forms P2483del.
Identifiers: ClinVar variation 4846942 (VCV004846942.1).